The following is an entry in ClinVar:

NM_182972.3(IRF2BP2):c.1031C>T (p.Ala344Val)

Genes: IRF2BP2 (interferon regulatory factor 2 binding protein 2; minus strand), LOC129932810 (ATAC-STARR-seq lymphoblastoid active region 2760; plus strand). Cytogenetic location: 1q42.3.
Variant type: single nucleotide variant.
Coding change: c.1031C>T on transcript NM_182972.3 (MANE Select); coding-DNA position 1031, C replaced by T.
Protein change: p.Ala344Val; replaces alanine 344 with valine.
Molecular consequence: missense variant. On other transcripts: intron variant (1).
Genome position (GRCh38, 1-based): chr1:234,608,464, G>A on the plus strand (C>T on the coding strand, the complement: IRF2BP2 is on the minus strand). VCF-style: chr1-234608464-G-A. GRCh37 (hg19) VCF-style: chr1-234744210-G-A.
Other names: c.1000+31C>T (NM_001077397.1); short protein forms A344V.
Identifiers: ClinVar variation 3605099 (VCV003605099.3).

ClinVar aggregate classification (germline): Uncertain significance. Review status: criteria provided, multiple submitters, no conflicts (2 of 4 stars). 2 submissions from 2 submitters: Uncertain significance (2). Last evaluated 2024-05-29.

gnomAD v4.1: 17 of 1,587,600 alleles (0.0011%); highest among the groups gnomAD compares: African/African-American, 0.0054%; no homozygotes.

Submissions (2):

Labcorp Genetics (formerly Invitae), Labcorp
Classification: Uncertain significance. Last evaluated: 2024-05-29. Review status: criteria provided, single submitter. Criteria: Invitae Variant Classification Sherloc (09022015). Collection method: clinical testing. Allele origin: germline.
Comment: This sequence change replaces alanine, which is neutral and non-polar, with valine, which is neutral and non-polar, at codon 344 of the IRF2BP2 protein (p.Ala344Val). This variant is present in population databases (rs750307667, gnomAD 0.01%). This variant has not been reported in the literature in individuals affected with IRF2BP2-related conditions. An algorithm developed to predict the effect of missense changes on protein structure and function (PolyPhen-2) suggests that this variant is likely to be disruptive. In summary, the available evidence is currently insufficient to determine the role of this variant in disease. Therefore, it has been classified as a Variant of Uncertain Significance.

Blueprint Genetics
Classification: Uncertain significance. Last evaluated: 2024-02-16. Review status: criteria provided, single submitter. Criteria: ACMG Guidelines, 2015. Collection method: clinical testing. Allele origin: germline.